The following is an entry in ClinVar:

NM_020964.3(EPG5):c.2956C>G (p.Pro986Ala)

Gene: EPG5 (ectopic P-granules 5 autophagy tethering factor; minus strand). Cytogenetic location: 18q21.1.
Variant type: single nucleotide variant.
Coding change: c.2956C>G on transcript NM_020964.3 (MANE Select); coding-DNA position 2956, C replaced by G.
Protein change: p.Pro986Ala; replaces proline 986 with alanine.
Molecular consequence: missense variant.
Genome position (GRCh38, 1-based): chr18:45,922,483, G>C on the plus strand (C>G on the coding strand, the complement: EPG5 is on the minus strand). VCF-style: chr18-45922483-G-C. GRCh37 (hg19) VCF-style: chr18-43502449-G-C.
Other names: c.2956C>G, p.Pro986Ala (LRG_1234t1); short protein forms P986A.
Identifiers: ClinVar variation 466244 (VCV000466244.8), dbSNP rs755139046, ClinGen allele CA8949296.

ClinVar aggregate classification (germline): Uncertain significance. Review status: criteria provided, multiple submitters, no conflicts (2 of 4 stars). 2 submissions from 2 submitters: Uncertain significance (2). Last evaluated 2025-08-13.

Conditions:
Inborn genetic diseases. Identifiers: MedGen C0950123, MeSH D030342.
Vici syndrome (VICIS). Identifiers: Orphanet 1493, MedGen C1855772, MONDO:0009452, OMIM 242840.

Allele frequency attached by ClinVar (database versions not stated): gnomAD exomes 0.00001; ExAC 0.00002.
gnomAD v4.1: 12 of 1,614,200 alleles (0.00074%); highest among the groups gnomAD compares: Non-Finnish European, 0.001%; no homozygotes.

Submissions (2):

Ambry Genetics
Classification: Uncertain significance for Inborn genetic diseases. Last evaluated: 2025-08-13. Review status: criteria provided, single submitter. Criteria: Ambry Variant Classification Scheme 2023. Collection method: clinical testing. Allele origin: germline.

Labcorp Genetics (formerly Invitae), Labcorp
Classification: Uncertain significance for Vici syndrome. Last evaluated: 2021-08-24. Review status: criteria provided, single submitter. Criteria: Invitae Variant Classification Sherloc (09022015). Collection method: clinical testing. Allele origin: germline.
Comment: This sequence change replaces proline with alanine at codon 986 of the EPG5 protein (p.Pro986Ala). The proline residue is weakly conserved and there is a small physicochemical difference between proline and alanine. This variant is present in population databases (rs755139046, ExAC 0.003%). This variant has not been reported in the literature in individuals affected with EPG5-related conditions. Algorithms developed to predict the effect of missense changes on protein structure and function (SIFT, PolyPhen-2, Align-GVGD) all suggest that this variant is likely to be tolerated. In summary, the available evidence is currently insufficient to determine the role of this variant in disease. Therefore, it has been classified as a Variant of Uncertain Significance.